The following is an entry in ClinVar:

NM_000038.6(APC):c.4906del (p.Asp1636fs)

Gene: APC (APC regulator of Wnt signaling pathway; plus strand). Cytogenetic location: 5q22.2.
Variant type: Deletion.
Coding change: c.4906del on transcript NM_000038.6 (MANE Select); coding-DNA position 4906, one base deleted (G; older notation c.4906delG).
Protein change: p.Asp1636fs; shifts the reading frame from aspartic acid 1636.
Molecular consequence: frameshift variant.
Genome position (GRCh38, 1-based): chr5:112,840,500, G deleted; the last of 5 consecutive G bases (chr5:112,840,496-112,840,500); deleting any one gives the same sequence. VCF-style (leftmost placement, unchanged base first): chr5-112840495-CG-C. GRCh37 (hg19) VCF-style: chr5-112176192-CG-C.
Other names: c.4906delG (NM_000038.5); c.4906del, p.Asp1636fs (NM_001127510.3, NM_001354895.2); c.4852del, p.Asp1618fs (NM_001127511.3); c.4960del, p.Asp1654fs (NM_001354896.2); c.4936del, p.Asp1646fs (NM_001354897.2); c.4831del, p.Asp1611fs (NM_001354898.2); c.4822del, p.Asp1608fs (NM_001354899.2); c.4783del, p.Asp1595fs (NM_001354900.2); and 6 more; short protein forms D1476fs, D1535fs, D1595fs, D1646fs, D1654fs, D1577fs, D1611fs, D1618fs.
Identifiers: ClinVar variation 1451526 (VCV001451526.8), dbSNP rs1554086285, ClinGen allele CA658760792.

ClinVar aggregate classification (germline): Pathogenic. Review status: criteria provided, multiple submitters, no conflicts (2 of 4 stars). 3 submissions from 3 submitters: Pathogenic (3). Last evaluated 2025-07-08.

Conditions:
Familial adenomatous polyposis 1 (FAP1). Also called: FAMILIAL ADENOMATOUS POLYPOSIS 1, ATTENUATED; POLYPOSIS, ADENOMATOUS INTESTINAL. Identifiers: MedGen C2713442, MONDO:0021056, OMIM 175100. Disease mechanism: loss of function.
Hereditary cancer-predisposing syndrome. Also called: Hereditary Cancer Syndrome; Hereditary neoplastic syndrome; Neoplastic Syndromes, Hereditary; Tumor predisposition. Identifiers: Orphanet 140162, MedGen C0027672, MeSH D009386, MONDO:0015356.

Submissions (3):

Ambry Genetics
Classification: Pathogenic for Hereditary cancer-predisposing syndrome. Last evaluated: 2025-07-08. Review status: criteria provided, single submitter. Criteria: Ambry Variant Classification Scheme 2023. Collection method: clinical testing. Allele origin: germline.
Comment: The c.4906delG pathogenic mutation, located in coding exon 15 of the APC gene, results from a deletion of one nucleotide at nucleotide position 4906, causing a translational frameshift with a predicted alternate stop codon (p.D1636Mfs*14). This alteration occurs at the 3' terminus of theAPC gene, is not expected to trigger nonsense-mediated mRNA decay, and impacts the last 42.5% of the protein. However, premature stop codons are typically deleterious in nature, the impacted region is critical for protein function, and a significant portion of the protein is affected (Ambry internal data). This variant was reported in individual(s) with features consistent with APC-related familial adenomatous polyposis (Nielsen M et al. Clin Genet, 2007 May;71:427-33; Ambry internal data). This variant is considered to be rare based on population cohorts in the Genome Aggregation Database (gnomAD). Based on the supporting evidence, this variant is interpreted as a disease-causing mutation.

Myriad Genetics, Inc.
Classification: Pathogenic for Familial adenomatous polyposis 1. Last evaluated: 2023-05-12. Review status: criteria provided, single submitter. Criteria: Myriad Autosomal Dominant, Autosomal Recessive and X-Linked Classification Criteria (2023). Collection method: clinical testing. Allele origin: unknown.
Comment: This variant is considered pathogenic. This variant creates a frameshift predicted to result in premature protein truncation.

Labcorp Genetics (formerly Invitae), Labcorp
Classification: Pathogenic for Familial adenomatous polyposis 1. Last evaluated: 2021-11-17. Review status: criteria provided, single submitter. Criteria: Invitae Variant Classification Sherloc (09022015). Collection method: clinical testing. Allele origin: germline.
Comment: For these reasons, this variant has been classified as Pathogenic. This variant is expected to disrupt the EB1 and HDLG binding sites, which mediate interactions with the cytoskeleton (PMID: 15311282, 17293347). While functional studies have not been performed to directly test the effect on APC protein function, this suggests that disruption of the C-terminal portion of the protein is functionally important. This premature translational stop signal has been observed in individual(s) with attenuated familial adenomatous polyposis (PMID: 17489848). This variant is not present in population databases (gnomAD no frequency). This sequence change creates a premature translational stop signal (p.Asp1636Metfs*14) in the APC gene. While this is not anticipated to result in nonsense mediated decay, it is expected to disrupt the last 1208 amino acid(s) of the APC protein.

Literature cited by the submitters: PubMed 17489848 (cited by Ambry Genetics and Labcorp Genetics (formerly Invitae), Labcorp); PubMed 15311282 (cited by Labcorp Genetics (formerly Invitae), Labcorp); PubMed 17293347 (cited by Labcorp Genetics (formerly Invitae), Labcorp).